The following is an entry in ClinVar:

ClinVar aggregate classification (germline): Uncertain significance. Review status: criteria provided, multiple submitters, no conflicts (2 of 4 stars). 3 submissions from 3 submitters: Uncertain significance (3). Last evaluated 2025-06-23.

Conditions:
Inborn genetic diseases. Identifiers: MedGen C0950123, MeSH D030342.
Progressive myoclonic epilepsy. Also called: Myoclonus epilepsy; Progressive myoclonus epilepsy; Myoclonic Epilepsies, Progressive; Familial progressive myoclonic epilepsy. Identifiers: Orphanet 308, Orphanet 98261, MedGen C0751778, MONDO:0020074.
Action myoclonus-renal failure syndrome. Also called: SCARB2-Related Action Myoclonus-Renal Failure Syndrome; EPILEPSY, PROGRESSIVE MYOCLONIC, 4, WITH RENAL FAILURE; EPILEPSY, PROGRESSIVE MYOCLONIC, 4, WITHOUT RENAL FAILURE; MYOCLONUS-NEPHROPATHY SYNDROME. Identifiers: Orphanet 163696, MedGen C0751779, MeSH D020191, MONDO:0009699, OMIM 254900.

Allele frequency attached by ClinVar (database versions not stated): gnomAD exomes 0.00002 and 0.00010; gnomAD 0.00004 and 0.00006; TOPMed 0.00010; ExAC 0.00011; 1000 Genomes Project 30x 0.00016; 1000 Genomes Project 0.00020.
gnomAD v4.1: 45 of 1,614,148 alleles (0.0028%); highest among the groups gnomAD compares: East Asian, 0.071%; no homozygotes.

Submissions (3):

Labcorp Genetics (formerly Invitae), Labcorp
Classification: Uncertain significance for Progressive myoclonic epilepsy. Last evaluated: 2025-06-23. Review status: criteria provided, single submitter. Criteria: Invitae Variant Classification Sherloc (09022015). Collection method: clinical testing. Allele origin: germline.
Comment: This sequence change replaces threonine, which is neutral and polar, with methionine, which is neutral and non-polar, at codon 305 of the SCARB2 protein (p.Thr305Met). This variant is present in population databases (rs148588727, gnomAD 0.1%). This missense change has been observed in individual(s) with Pendred syndrome (PMID: 28222800). ClinVar contains an entry for this variant (Variation ID: 588761). Invitae Evidence Modeling of protein sequence and biophysical properties (such as structural, functional, and spatial information, amino acid conservation, physicochemical variation, residue mobility, and thermodynamic stability) indicates that this missense variant is not expected to disrupt SCARB2 protein function with a negative predictive value of 80%. In summary, the available evidence is currently insufficient to determine the role of this variant in disease. Therefore, it has been classified as a Variant of Uncertain Significance.

Fulgent Genetics
Classification: Uncertain significance for Action myoclonus-renal failure syndrome. Last evaluated: 2021-10-05. Review status: criteria provided, single submitter. Criteria: ACMG Guidelines, 2015. Collection method: clinical testing. Allele origin: unknown.

Ambry Genetics
Classification: Uncertain significance for Inborn genetic diseases. Last evaluated: 2017-02-07. Review status: criteria provided, single submitter. Criteria: Ambry Variant Classification Scheme 2023. Collection method: clinical testing. Allele origin: germline.
Comment: The p.T305M variant (also known as c.914C>T), located in coding exon 7 of the SCARB2 gene, results from a C to T substitution at nucleotide position 914. The threonine at codon 305 is replaced by methionine, an amino acid with similar properties. This amino acid position is not conserved on species alignment. In addition, this alteration is predicted to be tolerated by in silico analysis. Since supporting evidence is limited at this time, the clinical significance of this variant remains unclear.

Literature cited by the submitters: PubMed 28222800 (cited by Labcorp Genetics (formerly Invitae), Labcorp).

NM_005506.4(SCARB2):c.914C>T (p.Thr305Met)

Gene: SCARB2 (scavenger receptor class B member 2; minus strand). Cytogenetic location: 4q21.1.
Variant type: single nucleotide variant.
Coding change: c.914C>T on transcript NM_005506.4 (MANE Select); coding-DNA position 914, C replaced by T.
Protein change: p.Thr305Met; replaces threonine 305 with methionine.
Molecular consequence: missense variant.
Genome position (GRCh38, 1-based): chr4:76,174,224, G>A on the plus strand (C>T on the coding strand, the complement: SCARB2 is on the minus strand). VCF-style: chr4-76174224-G-A. GRCh37 (hg19) VCF-style: chr4-77095377-G-A.
Other names: c.485C>T, p.Thr162Met (NM_001204255.2); short protein forms T305M, T162M.
Identifiers: ClinVar variation 588761 (VCV000588761.13), dbSNP rs148588727, ClinGen allele CA2970226.